The following is an entry in ClinVar:

ClinVar aggregate classification (germline): Pathogenic (1 of 4 stars; one submission).

Conditions:
Melanoma, cutaneous malignant, susceptibility to, 8. Also called: MELANOMA AND RENAL CELL CARCINOMA, SUSCEPTIBILITY TO; Cutaneous malignant melanoma 8. Identifiers: Orphanet 293822, MedGen C3152204, MONDO:0013759, OMIM 614456.
Tietz syndrome (TADS). Also called: TIETZ ALBINISM-DEAFNESS SYNDROME; ALBINISM-DEAFNESS OF TIETZ; HYPOPIGMENTATION/DEAFNESS OF TIETZ. Identifiers: Orphanet 42665, MedGen C0391816, MONDO:0007077, OMIM 103500.
Waardenburg syndrome type 2A (WS2A). Also called: WAARDENBURG SYNDROME WITHOUT DYSTOPIA CANTHORUM. Identifiers: Orphanet 3440, MedGen C1860339, MONDO:0008671, OMIM 193510.

Submission:

Labcorp Genetics (formerly Invitae), Labcorp
Classification: Pathogenic for Melanoma, cutaneous malignant, susceptibility to, 8; Waardenburg syndrome type 2A; Tietz syndrome. Last evaluated: 2026-01-18. Review status: criteria provided, single submitter. Criteria: Invitae Variant Classification Sherloc (09022015). Collection method: clinical testing. Allele origin: germline.
Comment: This sequence change creates a premature translational stop signal (p.Ala198Thrfs*15) in the MITF gene. It is expected to result in an absent or disrupted protein product. Loss-of-function variants in MITF are known to be pathogenic (PMID: 8659547, 20127975). This variant is not present in population databases (gnomAD no frequency). This variant has not been reported in the literature in individuals affected with MITF-related conditions. For these reasons, this variant has been classified as Pathogenic.

Literature cited by the submitters: PubMed 8659547; PubMed 20127975.

NM_001354604.2(MITF):c.913_914del (p.Ala305fs)

Gene: MITF (melanocyte inducing transcription factor; plus strand). Cytogenetic location: 3p13.
Variant type: Deletion.
Coding change: c.913_914del on transcript NM_001354604.2 (MANE Select); coding-DNA positions 913 to 914, 2 bases deleted (GC; older notation c.913_914delGC).
Protein change: p.Ala305fs; shifts the reading frame from alanine 305.
Molecular consequence: frameshift variant.
Genome position (GRCh38, 1-based): chr3:69,951,844-69,951,845, GC deleted. VCF-style (leftmost placement, unchanged base first): chr3-69951843-AGC-A. GRCh37 (hg19) VCF-style: chr3-70000994-AGC-A.
Other names: c.592_593del, p.Ala198fs (NM_000248.4); c.739_740del, p.Ala247fs (NM_001184967.2, NM_001354608.2); c.910_911del, p.Ala304fs (NM_001354605.2); c.892_893del, p.Ala298fs (NM_001354606.2, NM_006722.3); c.844_845del, p.Ala282fs (NM_001354607.2); c.574_575del, p.Ala192fs (NM_198158.3); c.895_896del, p.Ala299fs (NM_198159.3); c.847_848del, p.Ala283fs (NM_198177.3); and 1 more; short protein forms A282fs, A298fs, A192fs, A198fs, A283fs, A299fs, A304fs, A305fs.
Identifiers: ClinVar variation 4787064 (VCV004787064.1).